The following is an entry in ClinVar:

ClinVar aggregate classification (germline): Uncertain significance (1 of 4 stars; one submission).

Conditions:
MIRAGE syndrome. Also called: MYELODYSPLASIA, INFECTION, RESTRICTION OF GROWTH, ADRENAL HYPOPLASIA, GENITAL PHENOTYPES, AND ENTEROPATHY. Identifiers: Orphanet 494433, MedGen C4284088, MONDO:0014888, OMIM 617053.

Submission:

Dasa
Classification: Uncertain significance for MIRAGE syndrome. Last evaluated: 2025-10-17. Review status: criteria provided, single submitter. Criteria: DASA Assertion Criteria. Collection method: clinical testing. Allele origin: germline.
Comment: NM_017654.4(SAMD9):c.178delinsTATAT (p.Thr60Tyrfs*22) is a frameshift variant in SAMD9 predicted to alter the reading frame and introduce a premature termination codon. This variant is absent from population databases. The currently available literature and clinical evidence are not sufficient to establish a definitive association between this variant and the reported condition. Therefore, this variant is classified as a variant of uncertain significance.

NM_017654.4(SAMD9):c.178delinsTATAT (p.Thr60fs)

Gene: SAMD9 (sterile alpha motif domain containing 9; minus strand). Cytogenetic location: 7q21.2.
Variant type: Indel.
Coding change: c.178delinsTATAT on transcript NM_017654.4 (MANE Select); coding-DNA position 178, A replaced by TATAT.
Protein change: p.Thr60fs; shifts the reading frame from threonine 60.
Molecular consequence: frameshift variant.
Genome position (GRCh38, 1-based): chr7:93,105,920, T replaced by ATATA on the plus strand (A replaced by TATAT on the coding strand, the reverse complement: SAMD9 is on the minus strand). VCF-style: chr7-93105920-T-ATATA. GRCh37 (hg19) VCF-style: chr7-92735233-T-ATATA.
Other names: c.178delinsTATAT, p.Thr60fs (NM_001193307.2); short protein forms T60fs.
Identifiers: ClinVar variation 4884061 (VCV004884061.2).